The following is an entry in ClinVar:

NM_000352.6(ABCC8):c.62T>A (p.Val21Asp)

Gene: ABCC8 (ATP binding cassette subfamily C member 8; minus strand). Cytogenetic location: 11p15.1.
Variant type: single nucleotide variant.
Coding change: c.62T>A on transcript NM_000352.6 (MANE Select); coding-DNA position 62, T replaced by A.
Protein change: p.Val21Asp; replaces valine 21 with aspartic acid.
Molecular consequence: missense variant. On other transcripts: non-coding transcript variant (1).
Genome position (GRCh38, 1-based): chr11:17,476,715, A>T on the plus strand (T>A on the coding strand, the complement: ABCC8 is on the minus strand). VCF-style: chr11-17476715-A-T. GRCh37 (hg19) VCF-style: chr11-17498262-A-T.
Other names: NM_000352.6(ABCC8):c.62T>A; p.Val21Asp; c.62T>A, p.Val21Asp (NM_001287174.3, NM_001351295.2, NM_001351296.2 and 1 more transcripts); c.62T>A (NM_000352.4); short protein forms V21D.
Identifiers: ClinVar variation 495835 (VCV000495835.18), dbSNP rs200670692, ClinGen allele CA5903992.

ClinVar aggregate classification (germline): Pathogenic/Likely pathogenic. Review status: criteria provided, multiple submitters, no conflicts (2 of 4 stars). 9 submissions from 9 submitters: Pathogenic (6); Likely pathogenic (2). 1 of the submissions does not count toward it. Last evaluated 2024-07-04.

Conditions:
Type 2 diabetes mellitus. Also called: Type II diabetes mellitus. Identifiers: MedGen C0011860, MeSH D003924, MONDO:0005148, OMIM 125853, HP:0005978.
Hereditary hyperinsulinism.
ABCC8-related disorder.
Diabetes mellitus, permanent neonatal 3. Also called: ABCC8-Related Permanent Neonatal Diabetes Mellitus. Identifiers: MedGen C5394303, MONDO:0030088, OMIM 618857.
Diabetes mellitus, transient neonatal, 2 (TNDM2). Identifiers: Orphanet 99886, MedGen C1835887, MONDO:0012480, OMIM 610374. Disease mechanism: loss of function.
Hyperinsulinemic hypoglycemia, familial, 1 (HHF1). Also called: Persistent hyperinsulinemic hypoglycemia of infancy; Persistent Hyperinsulinemia Hypoglycemia of Infancy; HYPERINSULINISM, FAMILIAL, WITH PANCREATIC NESIDIOBLASTOSIS; HYPOGLYCEMIA, HYPERINSULINEMIC, OF INFANCY; NESIDIOBLASTOSIS OF PANCREAS. Identifiers: Orphanet 276575, Orphanet 276598, MedGen C2931832, MONDO:0009734, OMIM 256450.
Leucine-induced hypoglycemia (LIH). Also called: LEUCINE-SENSITIVE HYPOGLYCEMIA OF INFANCY. Identifiers: MedGen C0271714, MONDO:0009415, OMIM 240800.
Familial hyperinsulinism. Also called: Congenital hyperinsulinism. Identifiers: Orphanet 276525, MedGen C3888018, MONDO:0017182. Disease mechanism: loss of function.

Allele frequency attached by ClinVar (database versions not stated): gnomAD 0.00003 and 0.00004; TOPMed 0.00003; gnomAD exomes 0.00004 and 0.00006; ExAC 0.00014.
gnomAD v4.1: 56 of 1,609,238 alleles (0.0035%); highest among the groups gnomAD compares: Non-Finnish European, 0.0047%; no homozygotes.

Submissions (9):

Labcorp Genetics (formerly Invitae), Labcorp
Classification: Pathogenic. Last evaluated: 2024-07-04. Review status: criteria provided, single submitter. Criteria: Invitae Variant Classification Sherloc (09022015). Collection method: clinical testing. Allele origin: germline.
Comment: This sequence change replaces valine, which is neutral and non-polar, with aspartic acid, which is acidic and polar, at codon 21 of the ABCC8 protein (p.Val21Asp). This variant is present in population databases (rs200670692, gnomAD 0.01%). This missense change has been observed in individuals with recessive congenital hyperinsulinism (PMID: 19475716, 20685672, 23345197). ClinVar contains an entry for this variant (Variation ID: 495835). Advanced modeling of protein sequence and biophysical properties (such as structural, functional, and spatial information, amino acid conservation, physicochemical variation, residue mobility, and thermodynamic stability) performed at Invitae indicates that this missense variant is expected to disrupt ABCC8 protein function with a positive predictive value of 95%. Experimental studies have shown that this missense change affects ABCC8 function (PMID: 27573238). For these reasons, this variant has been classified as Pathogenic.

Natera, Inc.
Classification: Likely pathogenic for Hereditary hyperinsulinism. Last evaluated: 2024-05-15. Review status: criteria provided, single submitter. Criteria: Natera Variant Classification Schema (03/2026). Collection method: clinical testing. Allele origin: germline.
Comment: The c.62T>A variant in ABCC8 is a missense variant predicted to cause substitution of valine to aspartic acid at amino acid 21. This variant is rare in the general population with a frequency below the threshold expected for the associated phenotype(s). This variant has been observed in one or more individuals affected with the associated recessive disease, as either homozygous or compound heterozygous with a second variant (PMID: 23067144, 19475716, 23345197). Computational prediction algorithms indicate this variant is likely to affect gene or protein function. Given the available evidence, this variant is classified as Likely Pathogenic.

Baylor Genetics
Classification: Pathogenic for Type 2 diabetes mellitus. Last evaluated: 2024-02-04. Review status: criteria provided, single submitter. Criteria: ACMG Guidelines, 2015. Collection method: clinical testing. Allele origin: unknown.

Broad Center for Mendelian Genomics, Broad Institute of MIT and Harvard
Classification: Pathogenic for Hyperinsulinemic hypoglycemia, familial, 1. Last evaluated: 2023-08-16. Review status: criteria provided, single submitter. Criteria: ACMG Guidelines, 2015. Collection method: curation. Allele origin: germline. Inheritance: Autosomal recessive inheritance.
Comment: The p.Val21Asp variant in ABCC8 has been reported in at least 6 individuals with hyperinsulinemic hypoglycemia (PMID: 16357843, 19475716, 20685672, 23345197, 23275527), and has been identified 0.011% (14/122860) of European (non-Finnish) chromosomes by the Genome Aggregation Database (gnomAD; dbSNP rs200670692). Although this variant has been seen in the general population in a heterozygous state, its frequency is not high enough to rule out a pathogenic role. This variant has also been reported in ClinVar (Variation ID: 495835) and has been interpreted as pathogenic/likely pathogenic by Invitae, Natera Inc., Women's Health and Genetics/Laboratory Corporation of America (LabCorp), Counsyl and Fulgent Genetics. Of the many affected individuals, 4 were compound heterozygotes that carried a reported pathogenic variant in trans, and 1 was a homozygote, which increases the likelihood that the p.Val21Asp variant is pathogenic (Variation ID: 633026; PMID: 16357843, 19475716, 20685672, 23345197, 23275527). In vitro functional studies provide some evidence that the p.Val21Asp variant may slightly impact protein function (PMID: 27573238). However, these types of assays may not accurately represent biological function. Computational prediction tools and conservation analyses suggest that this variant may impact the protein, though this information is not predictive enough to determine pathogenicity. In summary, this variant meets criteria to be classified as pathogenic for autosomal recessive hyperinsulinemic hypoglycemia. ACMG/AMP Criteria applied: PM3_very_strong, PP3, PS3_supporting (Richards 2015).

Blueprint Genetics
Classification: Pathogenic for ABCC8-related disorders. Last evaluated: 2021-12-02. Review status: criteria provided, single submitter. Criteria: ACMG Guidelines, 2015. Collection method: clinical testing. Allele origin: germline. Affected: yes. Observed: 2 variant alleles.

Fulgent Genetics
Classification: Likely pathogenic for Type 2 diabetes mellitus; Leucine-induced hypoglycemia; Hyperinsulinemic hypoglycemia, familial, 1; Diabetes mellitus, transient neonatal, 2; Diabetes mellitus, permanent neonatal 3. Last evaluated: 2021-10-15. Review status: criteria provided, single submitter. Criteria: ACMG Guidelines, 2015. Collection method: clinical testing. Allele origin: unknown.

Women's Health and Genetics/Laboratory Corporation of America, LabCorp
Classification: Pathogenic for Familial hyperinsulinism. Last evaluated: 2017-02-23. Review status: criteria provided, single submitter. Criteria: LabCorp Variant Classification Summary - May 2015. Collection method: clinical testing. Allele origin: germline.
Comment: Variant summary: The ABCC8 c.62T>A (p.Val21Asp) variant causes a missense change involving the alteration of a conserved nucleotide. Although the variant is located outside of any known functional domain of the ATP-regulated potassium channels, 5/5 in silico tools predict a deleterious outcome for this variant. This variant was found in 12/88122 control chromosomes at a frequency of 0.0001362, which does not exceed the estimated maximal expected allele frequency of a pathogenic ABCC8 variant (0.0033541). Furthermore, this variant was identified homozygously or in compound heterozygosity in multiple diazoxide-unresponsive comprehensively genotyped neonatal patients with biochemically and histologically confirmed diagnosed diffuse CHI which is inherited in an autosomal recessive manner. Although no in-vitro functional studies supporting a loss of function of the ATP regulated potassium channels have been reported, the available patient characteristics provide in-vivo evidence demonstrating a damaging effect of this variant on channel function. Taken together, the ascertained evidence has been weighted to classify this variant as Pathogenic.

Rady Children's Institute for Genomic Medicine, Rady Children's Hospital San Diego
Classification: Pathogenic for ABCC8-related disorders. Review status: criteria provided, single submitter. Criteria: ACMG Guidelines, 2015. Collection method: clinical testing. Allele origin: germline. Affected: yes.
Comment: This variant has been previously reported as homozygous and compound heterozygous change in patients with congenital hyperinsulinemic hypoglycemia (PMID: 23345197, 19475716). The c.62T>A (p.Val21Asp) variant is present in the heterozygous state in the gnomAD population database at a frequency of 0.005% (15/271858) and is absent in the homozygous state, thus is presumed to be rare. The c.62T>A (p.Val21Asp) variant affects a moderately conserved amino acid and is predicted by multiple in silico tools to have a deleterious effect on protein function. Based on the available evidence, the c.62T>A (p.Val21Asp) variant is classified as Pathogenic.

Counsyl
Classification: Likely pathogenic for Hyperinsulinemic hypoglycemia, familial, 1. Last evaluated: 2017-03-11. Review status: no assertion criteria provided. Collection method: clinical testing. Allele origin: unknown. Not counted in ClinVar's aggregate classification.

Literature cited by the submitters: PubMed 19475716 (cited by 3 submitters); PubMed 20685672 (cited by 3 submitters); PubMed 23345197 (cited by 4 submitters); PubMed 27573238 (cited by 3 submitters); PubMed 23067144 (cited by 3 submitters); PubMed 23275527 (cited by Women's Health and Genetics/Laboratory Corporation of America, LabCorp and Counsyl); PubMed 16357843 (cited by Women's Health and Genetics/Laboratory Corporation of America, LabCorp).